The following is an entry in ClinVar:

ClinVar aggregate classification (germline): Uncertain significance (1 of 4 stars; one submission).

Conditions:
Rhabdoid tumor predisposition syndrome 2 (RTPS2). Identifiers: Orphanet 231108, Orphanet 69077, MedGen C2750074, MONDO:0013224, OMIM 613325.

Submission:

Labcorp Genetics (formerly Invitae), Labcorp
Classification: Uncertain significance for Rhabdoid tumor predisposition syndrome 2. Last evaluated: 2025-03-11. Review status: criteria provided, single submitter. Criteria: Invitae Variant Classification Sherloc (09022015). Collection method: clinical testing. Allele origin: germline.
Comment: This sequence change replaces serine, which is neutral and polar, with isoleucine, which is neutral and non-polar, at codon 250 of the SMARCA4 protein (p.Ser250Ile). This variant is not present in population databases (gnomAD no frequency). This variant has not been reported in the literature in individuals affected with SMARCA4-related conditions. Invitae Evidence Modeling of protein sequence and biophysical properties (such as structural, functional, and spatial information, amino acid conservation, physicochemical variation, residue mobility, and thermodynamic stability) indicates that this missense variant is not expected to disrupt SMARCA4 protein function with a negative predictive value of 95%. In summary, the available evidence is currently insufficient to determine the role of this variant in disease. Therefore, it has been classified as a Variant of Uncertain Significance.

NM_003072.5(SMARCA4):c.749G>T (p.Ser250Ile)

Gene: SMARCA4 (SWI/SNF related BAF chromatin remodeling complex subunit ATPase 4; plus strand). Cytogenetic location: 19p13.2.
Variant type: single nucleotide variant.
Coding change: c.749G>T on transcript NM_003072.5 (MANE Select); coding-DNA position 749, G replaced by T.
Protein change: p.Ser250Ile; replaces serine 250 with isoleucine.
Molecular consequence: missense variant. On other transcripts: non-coding transcript variant (1).
Genome position (GRCh38, 1-based): chr19:10,986,582, G>T. VCF-style: chr19-10986582-G-T. GRCh37 (hg19) VCF-style: chr19-11097258-G-T.
Other names: c.749G>T, p.Ser250Ile (NM_001128844.3, NM_001128845.2, NM_001128846.2 and 6 more transcripts); short protein forms S250I.
Identifiers: ClinVar variation 4802541 (VCV004802541.1).